The following is an entry in ClinVar:

NM_025233.7(COASY):c.821G>A (p.Gly274Glu)

Gene: COASY (Coenzyme A synthase; plus strand). Cytogenetic location: 17q21.2.
Variant type: single nucleotide variant.
Coding change: c.821G>A on transcript NM_025233.7 (MANE Select); coding-DNA position 821, G replaced by A.
Protein change: p.Gly274Glu; replaces glycine 274 with glutamic acid.
Molecular consequence: missense variant.
Genome position (GRCh38, 1-based): chr17:42,564,081, G>A. VCF-style: chr17-42564081-G-A. GRCh37 (hg19) VCF-style: chr17-40716099-G-A.
Other names: c.821G>A, p.Gly274Glu (NM_001042529.3); c.908G>A, p.Gly303Glu (NM_001042532.4); c.908G>A (NM_001042532.2); short protein forms G274E, G303E.
Identifiers: ClinVar variation 2149752 (VCV002149752.4), dbSNP rs779390522, ClinGen allele CA8578066.
Genomic context (GRCh38, chr17:42,564,081, plus strand): 5'-TCCTGGTGGACATCAAGCCCTCCTTGACTTTTGATGTCATCCCCCTGCTGGACCCCTATG[G>A]GCCCGCTGGCTCTGACCCCTCCCTGGAGTTCCTGGTGGTCAGCGAGGAGACCTATCGTGG-3'
Protein context (NP_079509.5, residues 264-284): FDVIPLLDPY[Gly274Glu]PAGSDPSLEF

ClinVar aggregate classification (germline): Uncertain significance. Review status: criteria provided, multiple submitters, no conflicts (2 of 4 stars). 2 submissions from 2 submitters: Uncertain significance (2). Last evaluated 2025-01-19.

Conditions:
Neurodegeneration with brain iron accumulation 6 (NBIA6). Also called: COASY protein-associated neurodegeneration. Identifiers: Orphanet 397725, MedGen C4517377, MONDO:0014290, OMIM 615643.

Allele frequency attached by ClinVar (database versions not stated): gnomAD 0.00001; gnomAD exomes 0.00001; TOPMed 0.00001; ExAC 0.00002.
gnomAD v4.1: 19 of 1,613,922 alleles (0.0012%); highest among the groups gnomAD compares: South Asian, 0.021%; no homozygotes.

Submissions (2):

Ambry Genetics
Classification: Uncertain significance. Last evaluated: 2025-01-19. Review status: criteria provided, single submitter. Criteria: Ambry Variant Classification Scheme 2023. Collection method: clinical testing. Allele origin: germline.

Labcorp Genetics (formerly Invitae), Labcorp
Classification: Uncertain significance for Neurodegeneration with brain iron accumulation 6. Last evaluated: 2022-03-28. Review status: criteria provided, single submitter. Criteria: Invitae Variant Classification Sherloc (09022015). Collection method: clinical testing. Allele origin: germline.
Comment: This sequence change replaces glycine, which is neutral and non-polar, with glutamic acid, which is acidic and polar, at codon 274 of the COASY protein (p.Gly274Glu). This variant is present in population databases (rs779390522, gnomAD 0.03%). This variant has not been reported in the literature in individuals affected with COASY-related conditions. Algorithms developed to predict the effect of missense changes on protein structure and function (SIFT, PolyPhen-2, Align-GVGD) all suggest that this variant is likely to be disruptive. In summary, the available evidence is currently insufficient to determine the role of this variant in disease. Therefore, it has been classified as a Variant of Uncertain Significance.